The following is an entry in ClinVar:

NM_058216.3(RAD51C):c.706-15C>T

Gene: RAD51C (RAD51 paralog C; plus strand). Cytogenetic location: 17q22.
Variant type: single nucleotide variant.
Coding change: c.706-15C>T on transcript NM_058216.3 (MANE Select); 15 bases into the intron before coding-DNA position 706, C replaced by T.
Molecular consequence: intron variant.
Genome position (GRCh38, 1-based): chr17:58,709,844, C>T. VCF-style: chr17-58709844-C-T. GRCh37 (hg19) VCF-style: chr17-56787205-C-T.
Identifiers: ClinVar variation 3903954 (VCV003903954.1).

ClinVar aggregate classification (germline): Likely benign (1 of 4 stars; one submission).

Conditions:
Breast-ovarian cancer, familial, susceptibility to, 3. Also called: RAD51C-Related Breast/Ovarian Cancer. Identifiers: Orphanet 145, MedGen C3150659, MONDO:0013253, OMIM 613399.

Submission:

Myriad Genetics, Inc.
Classification: Likely benign for Breast-ovarian cancer, familial, susceptibility to, 3. Last evaluated: 2025-02-18. Review status: criteria provided, single submitter. Criteria: Myriad Autosomal Dominant, Autosomal Recessive and X-Linked Classification Criteria (2023). Collection method: clinical testing. Allele origin: unknown.
Comment: This variant is considered likely benign. This variant is intronic and is not expected to impact mRNA splicing.